The following is an entry in ClinVar:

ClinVar aggregate classification (germline): Benign (1 of 4 stars; one submission).

Allele frequency attached by ClinVar (database versions not stated): gnomAD exomes 0.00003; ExAC 0.00004; TOPMed 0.00006; gnomAD 0.00007 and 0.00010.
gnomAD v4.1: 61 of 1,612,944 alleles (0.0038%); highest among the groups gnomAD compares: Middle Eastern, 0.082%; no homozygotes.

Submission:

Women's Health and Genetics/Laboratory Corporation of America, LabCorp
Classification: Benign. Last evaluated: 2022-05-02. Review status: criteria provided, single submitter. Criteria: LabCorp Variant Classification Summary - May 2015. Collection method: clinical testing. Allele origin: germline.
Comment: Variant summary: MRAS c.*8G>C is located in the untranslated mRNA region downstream of the termination codon. 4/4 computational tools predict no significant impact on normal splicing. However, these predictions have yet to be confirmed by functional studies. The variant allele was found at a frequency of 3.5e-05 in 282268 control chromosomes (gnomAD). The observed variant frequency is approximately 14 fold of the estimated maximal expected allele frequency for a pathogenic variant in MRAS causing Noonan Syndrome phenotype (2.5e-06), strongly suggesting that the variant is benign. To our knowledge, no occurrence of c.*8G>C in individuals affected with Noonan Syndrome and no experimental evidence demonstrating its impact on protein function have been reported. Co-occurrence with a pathogenic variant has been reported (PTPN11 c.184T>G, p.Tyr62Asp, labcorp internal data), providing supporting evidence for a benign role. No clinical diagnostic laboratories have submitted clinical-significance assessments for this variant to ClinVar after 2014. Based on the evidence outlined above, the variant was classified as benign.

NM_001085049.3(MRAS):c.*8G>C

Gene: MRAS (muscle RAS oncogene homolog; plus strand). Cytogenetic location: 3q22.3.
Variant type: single nucleotide variant.
Coding change: c.*8G>C on transcript NM_001085049.3 (MANE Select); 8 bases downstream of the stop codon, G replaced by C.
Molecular consequence: 3 prime UTR variant.
Genome position (GRCh38, 1-based): chr3:138,402,277, G>C. VCF-style: chr3-138402277-G-C. GRCh37 (hg19) VCF-style: chr3-138121119-G-C.
Other names: c.*8G>C (NM_001252090.2, NM_001252091.1, NM_001252092.2 and 2 more transcripts).
Identifiers: ClinVar variation 997884 (VCV000997884.2), dbSNP rs756972675, ClinGen allele CA2637068.
Genomic context (GRCh38, chr3:138,402,277, plus strand): 5'-GGCGGGGAGACCGGGCCACAGGCACCCACAAACTGCAATGTGTGATCTTGTGACAGGCCT[G>C]AGGCCCTGGGCACAGTGACGGTGGCCTGGCCAGCCCTCGGGACCCCTCCCCACCTAACTG-3'